The following is an entry in ClinVar:

ClinVar aggregate classification (germline): Pathogenic. Review status: criteria provided, multiple submitters, no conflicts (2 of 4 stars). 2 submissions from 2 submitters: Pathogenic (2). Last evaluated 2025-08-11.

Conditions:
Methylcobalamin deficiency type cblG (HMAG). Also called: HOMOCYSTINURIA-MEGALOBLASTIC ANEMIA, cblG COMPLEMENTATION TYPE; HOMOCYSTINURIA-MEGALOBLASTIC ANEMIA, cblG TYPE; Functional methionine synthase deficiency type cblG; HOMOCYSTINURIA-MEGALOBLASTIC ANEMIA DUE TO DEFECT IN COBALAMIN METABOLISM, cblG COMPLEMENTATION TYPE. Identifiers: Orphanet 2170, Orphanet 622, MedGen C1855128, MONDO:0009609, OMIM 250940.

Allele frequency attached by ClinVar (database versions not stated): gnomAD exomes below 0.00001; TOPMed below 0.00001.

Submissions (2):

Labcorp Genetics (formerly Invitae), Labcorp
Classification: Pathogenic for Methylcobalamin deficiency type cblG. Last evaluated: 2025-08-11. Review status: criteria provided, single submitter. Criteria: Invitae Variant Classification Sherloc (09022015). Collection method: clinical testing. Allele origin: germline.
Comment: This sequence change creates a premature translational stop signal (p.Glu665Ilefs*13) in the MTR gene. It is expected to result in an absent or disrupted protein product. Loss-of-function variants in MTR are known to be pathogenic (PMID: 9683607, 12068375). This variant is not present in population databases (gnomAD no frequency). This premature translational stop signal has been observed in individual(s) with methionine synthase deficiency (cblG) (internal data). ClinVar contains an entry for this variant (Variation ID: 648454). For these reasons, this variant has been classified as Pathogenic.

Revvity Omics, Revvity
Classification: Pathogenic for Methylcobalamin deficiency type cblG. Last evaluated: 2019-03-06. Review status: criteria provided, single submitter. Criteria: ACMG Guidelines, 2015. Collection method: clinical testing. Allele origin: germline.

Literature cited by the submitters: PubMed 9683607 (cited by Labcorp Genetics (formerly Invitae), Labcorp); PubMed 12068375 (cited by Labcorp Genetics (formerly Invitae), Labcorp).

NM_000254.3(MTR):c.1992_1993insATCA (p.Glu665fs)

Gene: MTR (5-methyltetrahydrofolate-homocysteine methyltransferase; plus strand). Cytogenetic location: 1q43.
Variant type: Insertion.
Coding change: c.1992_1993insATCA on transcript NM_000254.3 (MANE Select); coding-DNA positions 1992 to 1993, ATCA inserted.
Protein change: p.Glu665fs; shifts the reading frame from glutamic acid 665.
Molecular consequence: frameshift variant.
Genome position: GRCh38 VCF-style: chr1-236859871-T-TATCA. GRCh37 (hg19) VCF-style: chr1-237023171-T-TATCA.
Other names: c.1992_1993insATCA, p.Glu665fs (NM_001291939.1); c.771_772insATCA, p.Glu258fs (NM_001291940.2); short protein forms E258fs, E665fs.
Identifiers: ClinVar variation 648454 (VCV000648454.14), dbSNP rs1572278166, ClinGen allele CA915942074.